The following is an entry in ClinVar:

NM_001846.4(COL4A2):c.2158G>A (p.Gly720Ser)

Gene: COL4A2 (collagen type IV alpha 2 chain; plus strand). Cytogenetic location: 13q34.
Variant type: single nucleotide variant.
Coding change: c.2158G>A on transcript NM_001846.4 (MANE Select); coding-DNA position 2158, G replaced by A.
Protein change: p.Gly720Ser; replaces glycine 720 with serine.
Molecular consequence: missense variant.
Genome position (GRCh38, 1-based): chr13:110,469,279, G>A. VCF-style: chr13-110469279-G-A. GRCh37 (hg19) VCF-style: chr13-111121626-G-A.
Other names: short protein forms G720S.
Identifiers: ClinVar variation 4810912 (VCV004810912.1).

ClinVar aggregate classification (germline): Uncertain significance (1 of 4 stars; one submission).

Submission:

Labcorp Genetics (formerly Invitae), Labcorp
Classification: Uncertain significance. Last evaluated: 2025-06-22. Review status: criteria provided, single submitter. Criteria: Invitae Variant Classification Sherloc (09022015). Collection method: clinical testing. Allele origin: germline.
Comment: This sequence change replaces glycine, which is neutral and non-polar, with serine, which is neutral and polar, at codon 720 of the COL4A2 protein (p.Gly720Ser). This variant is not present in population databases (gnomAD no frequency). This variant has not been reported in the literature in individuals affected with COL4A2-related conditions. Invitae Evidence Modeling of protein sequence and biophysical properties (such as structural, functional, and spatial information, amino acid conservation, physicochemical variation, residue mobility, and thermodynamic stability) has been performed for this missense variant. However, the output from this modeling did not meet the statistical confidence thresholds required to predict the impact of this variant on COL4A2 protein function. In summary, the available evidence is currently insufficient to determine the role of this variant in disease. Therefore, it has been classified as a Variant of Uncertain Significance.